The following is an entry in ClinVar:

ClinVar aggregate classification (germline): Uncertain significance. Review status: criteria provided, multiple submitters, no conflicts (2 of 4 stars). 2 submissions from 2 submitters: Uncertain significance (2). Last evaluated 2024-11-21.

Allele frequency attached by ClinVar (database versions not stated): gnomAD 0.00007; gnomAD exomes 0.00007 and 0.00010; TOPMed 0.00007; ExAC 0.00011.
gnomAD v4.1: 107 of 1,613,498 alleles (0.0066%); highest among the groups gnomAD compares: Non-Finnish European, 0.0086%; no homozygotes.

Submissions (2):

Labcorp Genetics (formerly Invitae), Labcorp
Classification: Uncertain significance. Last evaluated: 2024-11-21. Review status: criteria provided, single submitter. Criteria: Invitae Variant Classification Sherloc (09022015). Collection method: clinical testing. Allele origin: germline.
Comment: This sequence change replaces arginine, which is basic and polar, with glutamine, which is neutral and polar, at codon 480 of the CCDC88A protein (p.Arg480Gln). This variant is present in population databases (rs774806527, gnomAD 0.01%). This variant has not been reported in the literature in individuals affected with CCDC88A-related conditions. ClinVar contains an entry for this variant (Variation ID: 1430938). An algorithm developed to predict the effect of missense changes on protein structure and function (PolyPhen-2) suggests that this variant¬†is likely to be tolerated. In summary, the available evidence is currently insufficient to determine the role of this variant in disease. Therefore, it has been classified as a Variant of Uncertain Significance.

Ambry Genetics
Classification: Uncertain significance. Last evaluated: 2023-09-22. Review status: criteria provided, single submitter. Criteria: Ambry Variant Classification Scheme 2023. Collection method: clinical testing. Allele origin: germline.

NM_001365480.1(CCDC88A):c.1439G>A (p.Arg480Gln)

Gene: CCDC88A (coiled-coil domain containing 88A; minus strand). Cytogenetic location: 2p16.1.
Variant type: single nucleotide variant.
Coding change: c.1439G>A on transcript NM_001365480.1 (MANE Select); coding-DNA position 1439, G replaced by A.
Protein change: p.Arg480Gln; replaces arginine 480 with glutamine.
Molecular consequence: missense variant.
Genome position (GRCh38, 1-based): chr2:55,339,543, C>T on the plus strand (G>A on the coding strand, the complement: CCDC88A is on the minus strand). VCF-style: chr2-55339543-C-T. GRCh37 (hg19) VCF-style: chr2-55566679-C-T.
Other names: c.1439G>A, p.Arg480Gln (NM_001135597.2, NM_001254943.2, NM_018084.5); c.1439G>A (NM_001135597.1); short protein forms R480Q.
Identifiers: ClinVar variation 1430938 (VCV001430938.5), dbSNP rs774806527, ClinGen allele CA1666148.
Genomic context (GRCh38, chr2:55,339,543, plus strand): 5'-TTTTCTTTTTCCATTTTCAGGATTTTGGAAGCATTGCCTTCTACAGAATCCACAGTAGTC[C>T]GAAGCTCTTCTACGGTTTTTGTCAAACTTTGATTTTCCATCTCTAGCTTCAATAATCTAC-3'
Protein context (NP_001352409.1, residues 470-490): QSLTKTVEEL[Arg480Gln]TTVDSVEGNA